The following is an entry in ClinVar:

NM_030665.4(RAI1):c.2478G>A (p.Leu826=)

Gene: RAI1 (retinoic acid induced 1; plus strand). Cytogenetic location: 17p11.2.
Variant type: single nucleotide variant.
Coding change: c.2478G>A on transcript NM_030665.4 (MANE Select); coding-DNA position 2478, G replaced by A.
Protein change: p.Leu826=; no amino-acid change (leucine 826 retained).
Molecular consequence: synonymous variant.
Genome position (GRCh38, 1-based): chr17:17,795,426, G>A. VCF-style: chr17-17795426-G-A. GRCh37 (hg19) VCF-style: chr17-17698740-G-A.
Other names: c.2478G>A (NM_030665.3).
Identifiers: ClinVar variation 1582352 (VCV001582352.9), dbSNP rs145643937, ClinGen allele CA8418548.
Genomic context (GRCh38, chr17:17,795,426, plus strand): 5'-GCCCGGGGACTTCAAGCAGGAGGAGGTGGGTGGGGTGAAGGAGGAGGCAGGTGGGCTGCT[G>A]CAGTGCCCCGAGGTGGCCAAGGCTGACCGGTGGCTGGAGGACAGCCGGCACTGCTGTTCC-3'
Protein context (NP_109590.3, residues 816-836): GGVKEEAGGL[Leu826=]QCPEVAKADR

ClinVar aggregate classification (germline): Likely benign. Review status: criteria provided, single submitter (1 of 4 stars). 2 submissions from 2 submitters: Likely benign (1). 1 of the submissions does not count toward it. Last evaluated 2025-09-29.

Conditions:
RAI1-related disorder. Also called: RAI1-related condition.

Allele frequency attached by ClinVar (database versions not stated): gnomAD exomes below 0.00001 and 0.00001; ExAC 0.00003; gnomAD 0.00005 and 0.00006; ESP Exome Variant Server 0.00008; TOPMed 0.00008.
gnomAD v4.1: 12 of 1,590,030 alleles (0.00075%); highest among the groups gnomAD compares: African/African-American, 0.015%; no homozygotes.

Submissions (2):

Labcorp Genetics (formerly Invitae), Labcorp
Classification: Likely benign. Last evaluated: 2025-09-29. Review status: criteria provided, single submitter. Criteria: Invitae Variant Classification Sherloc (09022015). Collection method: clinical testing. Allele origin: germline.

PreventionGenetics, part of Exact Sciences
Classification: Likely benign for RAI1-related condition. Last evaluated: 2022-09-07. Review status: no assertion criteria provided. Collection method: clinical testing. Allele origin: germline. Not counted in ClinVar's aggregate classification.
Comment: This variant is classified as likely benign based on ACMG/AMP sequence variant interpretation guidelines (Richards et al. 2015 PMID: 25741868, with internal and published modifications).